The following is an entry in ClinVar:

NM_031844.3(HNRNPU):c.436G>C (p.Gly146Arg)

Gene: HNRNPU (heterogeneous nuclear ribonucleoprotein U; minus strand). Cytogenetic location: 1q44.
Variant type: single nucleotide variant.
Coding change: c.436G>C on transcript NM_031844.3 (MANE Select); coding-DNA position 436, G replaced by C.
Protein change: p.Gly146Arg; replaces glycine 146 with arginine.
Molecular consequence: missense variant.
Genome position (GRCh38, 1-based): chr1:244,863,872, C>G on the plus strand (G>C on the coding strand, the complement: HNRNPU is on the minus strand). VCF-style: chr1-244863872-C-G. GRCh37 (hg19) VCF-style: chr1-245027174-C-G.
Other names: c.436G>C, p.Gly146Arg (NM_004501.3); short protein forms G146R.
Identifiers: ClinVar variation 3026637 (VCV003026637.22), dbSNP rs980758296, ClinGen allele CA40505154.
Genomic context (GRCh38, chr1:244,863,872, plus strand): 5'-GCGGTTGAGGCTGCTGCTCCCCGTGCCCGTTCTCGTCGCCCGCGCCTTCCTCTTCGTCCC[C>G]GAGCTCATCTTCCCCTTCCTGGAAACCCTGATCGTCGCCGTTCTCGTCTTCCGAGGCGGC-3'
Protein context (NP_114032.2, residues 136-156): QGFQEGEDEL[Gly146Arg]DEEEGAGDEN

ClinVar aggregate classification (germline): Uncertain significance (1 of 4 stars; one submission).

Submission:

CeGaT Center for Human Genetics Tuebingen
Classification: Uncertain significance. Last evaluated: 2023-12-01. Review status: criteria provided, single submitter. Criteria: CeGaT Center For Human Genetics Tuebingen Variant Classification Criteria Version 2. Collection method: clinical testing. Allele origin: germline. Affected: yes. Observed: 1 variant allele.
Comment: HNRNPU: PM2